The following is an entry in ClinVar:

NM_021942.6(TRAPPC11):c.2695-7G>T

Gene: TRAPPC11 (trafficking protein particle complex subunit 11; plus strand). Cytogenetic location: 4q35.1.
Variant type: single nucleotide variant.
Coding change: c.2695-7G>T on transcript NM_021942.6 (MANE Select); 7 bases into the intron before coding-DNA position 2695, G replaced by T.
Molecular consequence: intron variant.
Genome position (GRCh38, 1-based): chr4:183,697,672, G>T. VCF-style: chr4-183697672-G-T. GRCh37 (hg19) VCF-style: chr4-184618825-G-T.
Other names: p.?; c.2695-7G>T (NM_199053.3).
Identifiers: ClinVar variation 703638 (VCV000703638.20), dbSNP rs371163271, ClinGen allele CA3152298.
Genomic context (GRCh38, chr4:183,697,672, plus strand): 5'-AATGGACTGAAATGATAAAATGGATTAAGGTAATTCCTGACAGACCTTTTATCTTCATTT[G>T]TGACAGTTTGAGCACCTGGAAAGGGTTTATGCTGACATCCCCTTTCTGTTGATGACGGAC-3'

ClinVar aggregate classification (germline): Likely benign. Review status: criteria provided, multiple submitters, no conflicts (2 of 4 stars). 5 submissions from 5 submitters: Likely benign (4). 1 of the submissions does not count toward it. Last evaluated 2026-01-19.

Conditions:
TRAPPC11-related disorder. Also called: TRAPPC11-related condition.
Autosomal recessive limb-girdle muscular dystrophy type R18 (LGMDR18). Also called: MUSCULAR DYSTROPHY, LIMB-GIRDLE, AUTOSOMAL RECESSIVE 18; Autosomal recessive limb-girdle muscular dystrophy type 2S; Limb-girdle muscular dystrophy, type 2S. Identifiers: Orphanet 369840, MedGen C4517996, MONDO:0014144, OMIM 615356.

Allele frequency attached by ClinVar (database versions not stated): gnomAD exomes 0.00013 and 0.00030; ExAC 0.00015; gnomAD 0.00019 and 0.00020; TOPMed 0.00028; ESP Exome Variant Server 0.00031.
gnomAD v4.1: 474 of 1,613,354 alleles (0.029%); highest among the groups gnomAD compares: Non-Finnish European, 0.038%; no homozygotes.

Submissions (5):

Labcorp Genetics (formerly Invitae), Labcorp
Classification: Likely benign for Autosomal recessive limb-girdle muscular dystrophy type R18. Last evaluated: 2026-01-19. Review status: criteria provided, single submitter. Criteria: Invitae Variant Classification Sherloc (09022015). Collection method: clinical testing. Allele origin: germline.

Mayo Clinic Laboratories, Mayo Clinic
Classification: Likely benign. Last evaluated: 2025-09-30. Review status: criteria provided, single submitter. Criteria: ACMG Guidelines, 2015. Collection method: clinical testing. Allele origin: germline. Observed: 1 variant allele.
Comment: BP4, BP7

Blueprint Genetics
Classification: Likely benign. Last evaluated: 2024-11-18. Review status: criteria provided, single submitter. Criteria: ACMG Guidelines, 2015. Collection method: clinical testing. Allele origin: germline.

GeneDx
Classification: Likely benign. Last evaluated: 2020-09-14. Review status: criteria provided, single submitter. Criteria: GeneDx Variant Classification Process June 2021. Collection method: clinical testing. Allele origin: germline. Affected: yes.

PreventionGenetics, part of Exact Sciences
Classification: Likely benign for TRAPPC11-related condition. Last evaluated: 2019-06-17. Review status: no assertion criteria provided. Collection method: clinical testing. Allele origin: germline. Not counted in ClinVar's aggregate classification.
Comment: This variant is classified as likely benign based on ACMG/AMP sequence variant interpretation guidelines (Richards et al. 2015 PMID: 25741868, with internal and published modifications).